The following is an entry in ClinVar:

NM_007294.4(BRCA1):c.4430T>C (p.Phe1477Ser)

Gene: BRCA1 (BRCA1 DNA repair associated; minus strand). Cytogenetic location: 17q21.31.
Variant type: single nucleotide variant.
Coding change: c.4430T>C on transcript NM_007294.4 (MANE Select); coding-DNA position 4430, T replaced by C.
Protein change: p.Phe1477Ser; replaces phenylalanine 1477 with serine.
Molecular consequence: missense variant. On other transcripts: non-coding transcript variant (1).
Genome position (GRCh38, 1-based): chr17:43,076,542, A>G on the plus strand (T>C on the coding strand, the complement: BRCA1 is on the minus strand). VCF-style: chr17-43076542-A-G. GRCh37 (hg19) VCF-style: chr17-41228559-A-G.
Other names: c.4217T>C, p.Phe1406Ser (NM_001407571.1, NM_001407894.1, NM_001407895.1 and 12 more transcripts); c.4496T>C, p.Phe1499Ser (NM_001407581.1, NM_001407582.1); c.4493T>C, p.Phe1498Ser (NM_001407583.1, NM_001407585.1, NM_001407587.1 and 1 more transcripts); c.4490T>C, p.Phe1497Ser (NM_001407590.1, NM_001407591.1); c.4430T>C, p.Phe1477Ser (NM_001407593.1, NM_001407594.1, NM_001407596.1 and 8 more transcripts); c.4427T>C, p.Phe1476Ser (NM_001407610.1, NM_001407611.1, NM_001407612.1 and 17 more transcripts); c.4424T>C, p.Phe1475Ser (NM_001407627.1, NM_001407628.1, NM_001407629.1 and 14 more transcripts); c.4421T>C, p.Phe1474Ser (NM_001407644.1, NM_001407645.1); and 68 more; short protein forms F1477S, F1498S, F373S, F1430S, F1181S, F1308S, F1388S, F1408S.
Identifiers: ClinVar variation 233654 (VCV000233654.6), dbSNP rs876660550, ClinGen allele CA10580520.
Genomic context (GRCh38, chr17:43,076,542, plus strand): 5'-TCTTACCTTTCCACTCCTGGTTCTTTATTTTTACTGGTAGAACTATCTGCAGACACCTCA[A>G]ACTTGTCAGCAGAAAGGCCTTCTGGATTCTGGCTTATAGGGTATTCACTACTTTTCTGTG-3'
Protein context (NP_009225.1, residues 1467-1487): QNPEGLSADK[Phe1477Ser]EVSADSSTSK

ClinVar aggregate classification (germline): Uncertain significance (1 of 4 stars; one submission).

Conditions:
Hereditary cancer-predisposing syndrome. Also called: Neoplastic Syndromes, Hereditary; Tumor predisposition; Hereditary Cancer Syndrome; Hereditary neoplastic syndrome. Identifiers: Orphanet 140162, MedGen C0027672, MeSH D009386, MONDO:0015356.

Submission:

Ambry Genetics
Classification: Uncertain significance for Hereditary cancer-predisposing syndrome. Last evaluated: 2019-03-20. Review status: criteria provided, single submitter. Criteria: Ambry Variant Classification Scheme 2023. Collection method: clinical testing. Allele origin: germline.
Comment: The p.F1477S variant (also known as c.4430T>C), located in coding exon 12 of the BRCA1 gene, results from a T to C substitution at nucleotide position 4430. The phenylalanine at codon 1477 is replaced by serine, an amino acid with highly dissimilar properties. This amino acid position is not well conserved in available vertebrate species. In addition, the in silico prediction for this alteration is inconclusive. Since supporting evidence is limited at this time, the clinical significance of this variant remains unclear.